The following is an entry in ClinVar:

ClinVar aggregate classification (germline): Uncertain significance. Review status: criteria provided, multiple submitters, no conflicts (2 of 4 stars). 4 submissions from 4 submitters: Uncertain significance (4). Last evaluated 2023-05-21.

Conditions:
Cardiac arrhythmia, ankyrin-B-related. Also called: ANKYRIN-B SYNDROME. Identifiers: Orphanet 101016, Orphanet 768, MedGen C1970119, MONDO:0010958, OMIM 600919.
Long QT syndrome (LQTS). Identifiers: MedGen C0023976, MeSH D008133, MONDO:0002442. Disease mechanism: loss of function. Inheritance: Various modes of inheritance.
Cardiovascular phenotype. Identifiers: MedGen CN230736.

Allele frequency attached by ClinVar (database versions not stated): TOPMed 0.00002.

Submissions (4):

Ambry Genetics
Classification: Uncertain significance for Cardiovascular phenotype. Last evaluated: 2023-05-21. Review status: criteria provided, single submitter. Criteria: Ambry Variant Classification Scheme 2023. Collection method: clinical testing. Allele origin: germline.
Comment: The p.A455D variant (also known as c.1364C>A), located in coding exon 13 of the ANK2 gene, results from a C to A substitution at nucleotide position 1364. The alanine at codon 455 is replaced by aspartic acid, an amino acid with dissimilar properties. This amino acid position is conserved. In addition, this alteration is predicted to be deleterious by in silico analysis. Since supporting evidence is limited at this time, the clinical significance of this alteration remains unclear.

Fulgent Genetics
Classification: Uncertain significance for Cardiac arrhythmia, ankyrin-B-related. Last evaluated: 2021-07-04. Review status: criteria provided, single submitter. Criteria: ACMG Guidelines, 2015. Collection method: clinical testing. Allele origin: unknown.

GeneDx
Classification: Uncertain significance. Last evaluated: 2019-05-13. Review status: criteria provided, single submitter. Criteria: GeneDx Variant Classification Process June 2021. Collection method: clinical testing. Allele origin: germline. Affected: yes.
Comment: Not observed in large population cohorts (Lek et al., 2016); In silico analysis, which includes protein predictors and evolutionary conservation, supports a deleterious effect; Has not been previously published as pathogenic or benign to our knowledge

Labcorp Genetics (formerly Invitae), Labcorp
Classification: Uncertain significance for Long QT syndrome. Last evaluated: 2018-07-24. Review status: criteria provided, single submitter. Criteria: Invitae Variant Classification Sherloc (09022015). Collection method: clinical testing. Allele origin: germline.
Comment: This sequence change replaces alanine with aspartic acid at codon 455 of the ANK2 protein (p.Ala455Asp). The alanine residue is highly conserved and there is a moderate physicochemical difference between alanine and aspartic acid. This variant is not present in population databases (ExAC no frequency). This variant has not been reported in the literature in individuals with ANK2-related disease. Algorithms developed to predict the effect of missense changes on protein structure and function are either unavailable or do not agree on the potential impact of this missense change (SIFT: "Deleterious"; PolyPhen-2: "Possibly Damaging"; Align-GVGD: "Class C0"). In summary, the available evidence is currently insufficient to determine the role of this variant in disease. Therefore, it has been classified as a Variant of Uncertain Significance.

NM_001148.6(ANK2):c.1364C>A (p.Ala455Asp)

Gene: ANK2 (ankyrin 2; plus strand). Cytogenetic location: 4q26.
Variant type: single nucleotide variant.
Coding change: c.1364C>A on transcript NM_001148.6 (MANE Select); coding-DNA position 1364, C replaced by A.
Protein change: p.Ala455Asp; replaces alanine 455 with aspartic acid.
Molecular consequence: missense variant. On other transcripts: intron variant (5).
Genome position (GRCh38, 1-based): chr4:113,258,389, C>A. VCF-style: chr4-113258389-C-A. GRCh37 (hg19) VCF-style: chr4-114179545-C-A.
Other names: c.1301C>A, p.Ala434Asp (NM_001127493.3, NM_001354239.2, NM_001354243.2 and 14 more transcripts); c.1364C>A, p.Ala455Asp (NM_001354225.2, NM_001354228.2, NM_001354232.2 and 8 more transcripts); c.1409C>A, p.Ala470Asp (NM_001354230.2, NM_001354231.2, NM_001354237.2 and 5 more transcripts); c.1277C>A, p.Ala426Asp (NM_001354249.2, NM_001354260.2, NM_001354264.2 and 13 more transcripts); c.1322C>A, p.Ala441Asp (NM_001354261.2, NM_001386147.1, NM_001386160.1); c.1352C>A, p.Ala451Asp (NM_001386148.2, NM_001386186.2); c.1415C>A, p.Ala472Asp (NM_001386174.1); c.1391C>A, p.Ala464Asp (NM_001386175.1); and 4 more; short protein forms A441D, A455D, A470D, A426D, A434D, A443D, A451D, A464D.
Identifiers: ClinVar variation 652557 (VCV000652557.6), dbSNP rs1305931806, ClinGen allele CA357928045.